The following is an entry in ClinVar:

ClinVar aggregate classification (germline): Uncertain significance (1 of 4 stars; one submission).

Submission:

GeneDx
Classification: Uncertain significance. Last evaluated: 2026-03-10. Review status: criteria provided, single submitter. Criteria: GeneDx Variant Classification Process June 2021. Collection method: clinical testing. Allele origin: germline.
Comment: Not observed at significant frequency in large population cohorts (gnomAD); In silico analysis suggests that this missense variant does not alter protein structure/function; Has not been previously published as pathogenic or benign to our knowledge

NM_004733.4(SLC33A1):c.27C>G (p.Asp9Glu)

Gene: SLC33A1 (solute carrier family 33 member 1; minus strand). Cytogenetic location: 3q25.31.
Variant type: single nucleotide variant.
Coding change: c.27C>G on transcript NM_004733.4 (MANE Select); coding-DNA position 27, C replaced by G.
Protein change: p.Asp9Glu; replaces aspartic acid 9 with glutamic acid.
Molecular consequence: missense variant.
Genome position (GRCh38, 1-based): chr3:155,853,971, G>C on the plus strand (C>G on the coding strand, the complement: SLC33A1 is on the minus strand). VCF-style: chr3-155853971-G-C. GRCh37 (hg19) VCF-style: chr3-155571760-G-C.
Other names: c.27C>G, p.Asp9Glu (NM_001190992.2, NM_001363883.1); short protein forms D9E.
Identifiers: ClinVar variation 5008255 (VCV005008255.1).